The following is an entry in ClinVar:

ClinVar aggregate classification (germline): Uncertain significance (1 of 4 stars; one submission).

Allele frequency attached by ClinVar (database versions not stated): gnomAD exomes below 0.00001.
gnomAD v4.1: 4 of 1,212,058 alleles (0.00033%); highest among the groups gnomAD compares: South Asian, 0.0018%; no homozygotes.

Submission:

CeGaT Center for Human Genetics Tuebingen
Classification: Uncertain significance. Last evaluated: 2024-01-01. Review status: criteria provided, single submitter. Criteria: CeGaT Center For Human Genetics Tuebingen Variant Classification Criteria Version 2. Collection method: clinical testing. Allele origin: germline. Affected: yes. Observed: 2 variant alleles.
Comment: DDX3X: PM2, PP2

NM_001356.5(DDX3X):c.383G>A (p.Cys128Tyr)

Gene: DDX3X (DEAD-box helicase 3 X-linked; plus strand). Cytogenetic location: Xp11.4.
Variant type: single nucleotide variant.
Coding change: c.383G>A on transcript NM_001356.5 (MANE Select); coding-DNA position 383, G replaced by A.
Protein change: p.Cys128Tyr; replaces cysteine 128 with tyrosine.
Molecular consequence: missense variant. On other transcripts: 5 prime UTR variant (1), non-coding transcript variant (1).
Genome position (GRCh38, 1-based): chrX:41,342,593, G>A. VCF-style: chrX-41342593-G-A. GRCh37 (hg19) VCF-style: chrX-41201846-G-A.
Other names: c.335G>A, p.Cys112Tyr (NM_001193417.3); c.-176G>A (NM_001363819.1); c.383G>A, p.Cys128Tyr (NM_001193416.3); short protein forms C112Y, C128Y.
Identifiers: ClinVar variation 2571363 (VCV002571363.27), dbSNP rs2519508907, ClinGen allele CA412766256.